The following is an entry in ClinVar:

ClinVar aggregate classification (germline): Uncertain significance (1 of 4 stars; one submission).

Submission:

GeneDx
Classification: Uncertain significance. Last evaluated: 2025-12-31. Review status: criteria provided, single submitter. Criteria: GeneDx Variant Classification Process June 2021. Collection method: clinical testing. Allele origin: germline.
Comment: Not observed at significant frequency in large population cohorts (gnomAD); In silico analysis supports that this missense variant has a deleterious effect on protein structure/function; Has not been previously published as pathogenic or benign to our knowledge

NM_001080421.3(UNC13A):c.2654C>T (p.Ser885Phe)

Gene: UNC13A (unc-13 homolog A; minus strand). Cytogenetic location: 19p13.11.
Variant type: single nucleotide variant.
Coding change: c.2654C>T on transcript NM_001080421.3 (MANE Select); coding-DNA position 2654, C replaced by T.
Protein change: p.Ser885Phe; replaces serine 885 with phenylalanine.
Molecular consequence: missense variant.
Genome position (GRCh38, 1-based): chr19:17,640,644, G>A on the plus strand (C>T on the coding strand, the complement: UNC13A is on the minus strand). VCF-style: chr19-17640644-G-A. GRCh37 (hg19) VCF-style: chr19-17751453-G-A.
Other names: c.2648C>T, p.Ser883Phe (NM_001387021.1, NM_001387022.1, NM_001387023.1); short protein forms S883F, S885F.
Identifiers: ClinVar variation 4077347 (VCV004077347.2).